The following is an entry in ClinVar:

NM_001166108.2(PALLD):c.2535A>T (p.Arg845Ser)

Genes: CBR4 (carbonyl reductase 4; minus strand), PALLD (palladin, cytoskeletal associated protein; plus strand). Cytogenetic location: 4q32.3.
Variant type: single nucleotide variant.
Coding change: c.2535A>T on transcript NM_001166108.2 (MANE Select); coding-DNA position 2535, A replaced by T.
Protein change: p.Arg845Ser; replaces arginine 845 with serine.
Molecular consequence: missense variant.
Genome position (GRCh38, 1-based): chr4:168,903,819, A>T. VCF-style: chr4-168903819-A-T. GRCh37 (hg19) VCF-style: chr4-169824970-A-T.
Other names: c.2484A>T (NM_016081.3); c.1338A>T, p.Arg446Ser (NM_001166109.2); c.1023A>T, p.Arg341Ser (NM_001166110.2); c.363A>T, p.Arg121Ser (NM_001367567.1, NM_001367569.1); c.414A>T, p.Arg138Ser (NM_001367568.1, NM_001367570.1); c.2484A>T, p.Arg828Ser (NM_016081.4); short protein forms R121S, R828S, R138S, R446S, R341S, R845S.
Identifiers: ClinVar variation 1427630 (VCV001427630.10), dbSNP rs1757058174, ClinGen allele CA358799374.

ClinVar aggregate classification (germline): Uncertain significance. Review status: criteria provided, multiple submitters, no conflicts (2 of 4 stars). 2 submissions from 2 submitters: Uncertain significance (2). Last evaluated 2023-09-25.

Conditions:
Pancreatic adenocarcinoma. Identifiers: MedGen C0281361, MONDO:0006047, HP:0006725.

gnomAD v4.1: 6 of 1,612,290 alleles (0.00037%); no homozygotes.

Submissions (2):

Ambry Genetics
Classification: Uncertain significance. Last evaluated: 2023-09-25. Review status: criteria provided, single submitter. Criteria: Ambry Variant Classification Scheme 2023. Collection method: clinical testing. Allele origin: germline.
Comment: The p.R828S variant (also known as c.2484A>T), located in coding exon 13 of the PALLD gene, results from an A to T substitution at nucleotide position 2484. The arginine at codon 828 is replaced by serine, an amino acid with dissimilar properties. This amino acid position is conserved. In addition, this alteration is predicted to be tolerated by in silico analysis. Since supporting evidence is limited at this time, the clinical significance of this alteration remains unclear.

Labcorp Genetics (formerly Invitae), Labcorp
Classification: Uncertain significance for Pancreatic adenocarcinoma. Last evaluated: 2022-01-07. Review status: criteria provided, single submitter. Criteria: Invitae Variant Classification Sherloc (09022015). Collection method: clinical testing. Allele origin: germline.
Comment: In summary, the available evidence is currently insufficient to determine the role of this variant in disease. Therefore, it has been classified as a Variant of Uncertain Significance. Algorithms developed to predict the effect of missense changes on protein structure and function output the following: SIFT: "Deleterious"; PolyPhen-2: "Benign"; Align-GVGD: "Class C65". The serine amino acid residue is found in multiple mammalian species, which suggests that this missense change does not adversely affect protein function. This variant has not been reported in the literature in individuals affected with PALLD-related conditions. This variant is not present in population databases (gnomAD no frequency). This sequence change replaces arginine, which is basic and polar, with serine, which is neutral and polar, at codon 341 of the PALLD protein (p.Arg341Ser).